The following is an entry in ClinVar:

NM_018341.3(ERMARD):c.659_662dup (p.Tyr221Ter)

Gene: ERMARD (ER membrane associated RNA degradation; plus strand). Cytogenetic location: 6q27.
Variant type: Duplication.
Coding change: c.659_662dup on transcript NM_018341.3 (MANE Select); coding-DNA positions 659 to 662, 4 bases duplicated (GTTA; older notation c.659_662dupGTTA).
Protein change: p.Tyr221Ter; replaces tyrosine 221 with a stop codon.
Molecular consequence: nonsense.
Genome position (GRCh38, 1-based): chr6:169,759,891-169,759,894, GTTA duplicated; duplicating any 4 consecutive bases within chr6:169,759,890-169,759,894 gives the same sequence; the c. name uses the placement nearest the transcript's 3' end. VCF-style (leftmost placement, unchanged base first): chr6-169759889-G-GAGTT. GRCh37 (hg19) VCF-style: chr6-170159985-G-GAGTT.
Other names: c.281_284dup, p.Tyr95Ter (NM_001278532.2); c.659_662dup, p.Tyr221Ter (NM_001278533.2, NM_001278531.2); c.657_658insAGTT (NM_018341.3); short protein forms Y221*, Y95*.
Identifiers: ClinVar variation 1690888 (VCV001690888.5), dbSNP rs1791310307, ClinGen allele CA1681277290.

ClinVar aggregate classification (germline): Uncertain significance. Review status: criteria provided, multiple submitters, no conflicts (2 of 4 stars). 3 submissions from 3 submitters: Uncertain significance (3). Last evaluated 2025-11-03.

Submissions (3):

Labcorp Genetics (formerly Invitae), Labcorp
Classification: Uncertain significance. Last evaluated: 2025-11-03. Review status: criteria provided, single submitter. Criteria: Invitae Variant Classification Sherloc (09022015). Collection method: clinical testing. Allele origin: germline.
Comment: This sequence change creates a premature translational stop signal (p.Tyr221*) in the ERMARD gene. It is expected to result in an absent or disrupted protein product. However, the current clinical and genetic evidence is not sufficient to establish whether loss-of-function variants in ERMARD cause disease. This variant is not present in population databases (gnomAD no frequency). This variant has not been reported in the literature in individuals affected with ERMARD-related conditions. ClinVar contains an entry for this variant (Variation ID: 1690888). In summary, the available evidence is currently insufficient to determine the role of this variant in disease. Therefore, it has been classified as a Variant of Uncertain Significance.

Dasa
Classification: Uncertain significance. Last evaluated: 2025-05-31. Review status: criteria provided, single submitter. Criteria: DASA Assertion Criteria. Collection method: clinical testing. Allele origin: germline.
Comment: NM_018341.3(ERMARD):c.659_662dup (p.Tyr221*) is a frameshift variant in ERMARD predicted to alter the reading frame and introduce a premature termination codon and is predicted to result in an absent or altered protein product. This variant is rare in population databases. The currently available literature and clinical evidence are not sufficient to establish a definitive association between this variant and the reported condition. Therefore, this variant is classified as a variant of uncertain significance.

Laboratorio de Genetica e Diagnostico Molecular, Hospital Israelita Albert Einstein
Classification: Uncertain significance. Last evaluated: 2020-06-01. Review status: criteria provided, single submitter. Criteria: ACMG Guidelines, 2015. Collection method: clinical testing. Allele origin: germline. Affected: yes.
Comment: ACMG classification criteria: PM2